The following is an entry in ClinVar:

ClinVar aggregate classification (germline): Uncertain significance. Review status: criteria provided, multiple submitters, no conflicts (2 of 4 stars). 2 submissions from 2 submitters: Uncertain significance (2). Last evaluated 2024-03-13.

Conditions:
Developmental and epileptic encephalopathy, 12 (DEE12). Identifiers: MedGen C3150988, MONDO:0013389, OMIM 613722.

Allele frequency attached by ClinVar (database versions not stated): ExAC 0.00001; gnomAD exomes 0.00001.

Submissions (2):

Women's Health and Genetics/Laboratory Corporation of America, LabCorp
Classification: Uncertain significance. Last evaluated: 2024-03-13. Review status: criteria provided, single submitter. Criteria: LabCorp Variant Classification Summary - May 2015. Collection method: clinical testing. Allele origin: germline.
Comment: Variant summary: PNKP c.566C>G (p.Pro189Arg) results in a non-conservative amino acid change located in the HAD-superfamily hydrolase,subfamily IIIA domain (IPR006549) of the encoded protein sequence. Three of five in-silico tools predict a damaging effect of the variant on protein function. The variant allele was found at a frequency of 8e-06 in 251476 control chromosomes. The available data on variant occurrences in the general population are insufficient to allow any conclusion about variant significance. To our knowledge, no occurrence of c.566C>G in individuals affected with PNKP-Related Disorders and no experimental evidence demonstrating its impact on protein function have been reported. ClinVar contains an entry for this variant (Variation ID: 1511230). Based on the evidence outlined above, the variant was classified as uncertain significance.

Labcorp Genetics (formerly Invitae), Labcorp
Classification: Uncertain significance for Developmental and epileptic encephalopathy, 12. Last evaluated: 2021-08-27. Review status: criteria provided, single submitter. Criteria: Invitae Variant Classification Sherloc (09022015). Collection method: clinical testing. Allele origin: germline.
Comment: This sequence change replaces proline with arginine at codon 189 of the PNKP protein (p.Pro189Arg). The proline residue is highly conserved and there is a moderate physicochemical difference between proline and arginine. This variant is present in population databases (rs570975244, ExAC 0.001%). This variant has not been reported in the literature in individuals affected with PNKP-related conditions. Algorithms developed to predict the effect of missense changes on protein structure and function are either unavailable or do not agree on the potential impact of this missense change (SIFT: "Tolerated"; PolyPhen-2: "Possibly Damaging"; Align-GVGD: "Class C0"). In summary, the available evidence is currently insufficient to determine the role of this variant in disease. Therefore, it has been classified as a Variant of Uncertain Significance.

NM_007254.4(PNKP):c.566C>G (p.Pro189Arg)

Gene: PNKP (polynucleotide kinase 3'-phosphatase; minus strand). Cytogenetic location: 19q13.33.
Variant type: single nucleotide variant.
Coding change: c.566C>G on transcript NM_007254.4 (MANE Select); coding-DNA position 566, C replaced by G.
Protein change: p.Pro189Arg; replaces proline 189 with arginine.
Molecular consequence: missense variant.
Genome position (GRCh38, 1-based): chr19:49,864,336, G>C on the plus strand (C>G on the coding strand, the complement: PNKP is on the minus strand). VCF-style: chr19-49864336-G-C. GRCh37 (hg19) VCF-style: chr19-50367593-G-C.
Other names: short protein forms P189R.
Identifiers: ClinVar variation 1511230 (VCV001511230.7), dbSNP rs570975244, ClinGen allele CA9586904.